The following is an entry in ClinVar:

ClinVar aggregate classification (germline): Uncertain significance (1 of 4 stars; one submission).

Conditions:
Hereditary pulmonary alveolar proteinosis. Also called: Pulmonary surfactant metabolism dysfunction. Identifiers: Orphanet 264675, MedGen C3711368, MONDO:0012580.

gnomAD v4.1: 3 of 1,613,716 alleles (0.00019%); highest among the groups gnomAD compares: African/African-American, 0.004%; no homozygotes.

Submission:

Ambry Genetics
Classification: Uncertain significance for Hereditary pulmonary alveolar proteinosis. Last evaluated: 2026-06-14. Review status: criteria provided, single submitter. Criteria: Ambry Variant Classification Scheme 2023. Collection method: clinical testing. Allele origin: germline.
Comment: The p.S587N variant (also known as c.1760G>A), located in coding exon 12 of the ABCA3 gene, results from a G to A substitution at nucleotide position 1760. The serine at codon 587 is replaced by asparagine, an amino acid with highly similar properties. This amino acid position is conserved. In addition, this alteration is predicted to be tolerated by in silico analysis. Based on the available evidence, the clinical significance of this variant remains unclear.

NM_001089.3(ABCA3):c.1760G>A (p.Ser587Asn)

Gene: ABCA3 (ATP binding cassette subfamily A member 3; minus strand). Cytogenetic location: 16p13.3.
Variant type: single nucleotide variant.
Coding change: c.1760G>A on transcript NM_001089.3 (MANE Select); coding-DNA position 1760, G replaced by A.
Protein change: p.Ser587Asn; replaces serine 587 with asparagine.
Molecular consequence: missense variant.
Genome position (GRCh38, 1-based): chr16:2,298,522, C>T on the plus strand (G>A on the coding strand, the complement: ABCA3 is on the minus strand). VCF-style: chr16-2298522-C-T. GRCh37 (hg19) VCF-style: chr16-2348523-C-T.
Other names: short protein forms S587N.
Identifiers: ClinVar variation 4635308 (VCV004635308.2).